The following is an entry in ClinVar:

ClinVar aggregate classification (germline): Pathogenic/Likely pathogenic. Review status: criteria provided, multiple submitters, no conflicts (2 of 4 stars). 3 submissions from 3 submitters: Pathogenic (2); Likely pathogenic (1). Last evaluated 2023-02-16.

Conditions:
Marfan syndrome (MFS). Also called: Marfan syndrome, classic; FBN1-Related Marfan Syndrome; Marfan syndrome type 1; Marfan's syndrome; MARFAN SYNDROME, TYPE I. Identifiers: Orphanet 284963, Orphanet 558, MedGen C0024796, MONDO:0007947, OMIM 154700.
Familial thoracic aortic aneurysm and aortic dissection (TAAD). Also called: Thoracic aortic aneurysms and dissections. Identifiers: Orphanet 91387, MedGen C4707243, MONDO:0019625.
FBN1-related disorder. Also called: FBN1-related disorders.

Submissions (3):

Blueprint Genetics
Classification: Likely pathogenic for FBN1-related disorders. Last evaluated: 2023-02-16. Review status: criteria provided, single submitter. Criteria: ACMG Guidelines, 2015. Collection method: clinical testing. Allele origin: germline. Affected: yes. Observed: 2 variant alleles.

Labcorp Genetics (formerly Invitae), Labcorp
Classification: Pathogenic for Marfan syndrome; Familial thoracic aortic aneurysm and aortic dissection. Last evaluated: 2021-06-22. Review status: criteria provided, single submitter. Criteria: Invitae Variant Classification Sherloc (09022015). Collection method: clinical testing. Allele origin: germline.
Comment: This sequence change replaces cysteine with tyrosine at codon 1934 of the FBN1 protein (p.Cys1934Tyr). The cysteine residue is highly conserved and there is a large physicochemical difference between cysteine and tyrosine. This variant is not present in population databases (ExAC no frequency). ClinVar contains an entry for this variant (Variation ID: 200069). Advanced modeling of protein sequence and biophysical properties (such as structural, functional, and spatial information, amino acid conservation, physicochemical variation, residue mobility, and thermodynamic stability) performed at Invitae indicates that this missense variant is expected to disrupt FBN1 protein function. This variant disrupts the p.Cys1934 amino acid residue in FBN1. Other variant(s) that disrupt this residue have been observed in individuals with FBN1-related conditions (PMID: 18435798, 21542060, 25907466), which suggests that this may be a clinically significant amino acid residue. For these reasons, this variant has been classified as Pathogenic. This variant affects a cysteine residue in the EGF-like, TGFBP or hybrid motif domains of FBN1. Cysteine residues are believed to be involved in intramolecular disulfide bridges and have been shown to be important for FBN1 protein structure (PMID: 16905551, 19349279). In addition, missense substitutions affecting cysteine residues within these domains are significantly overrepresented among patients with Marfan syndrome (PMID: 16571647, 17701892).

GeneDx
Classification: Pathogenic. Last evaluated: 2013-11-06. Review status: criteria provided, single submitter. Criteria: GeneDx Variant Classification (06012015). Collection method: clinical testing. Allele origin: germline. Affected: yes.
Comment: p.Cys1934Tyr (TGT>TAT): c.5801 G>A in exon 48 of the FBN1 gene (NM_000138.4)While the Cys1934Tyr mutation in the FBN1 gene has not been reported to our knowledge, two other mutations affecting this same residue, Cys1934Gly and Cys1934Ser, has been reported in association with Marfan syndrome. Additionally, mutations in nearby residues (Glu1933Val, Phe1954Cys) have been reported in association with Marfan syndrome further supporting the functional importance of this residue and this region of the protein. Cys1934Tyr results in a non-conservative amino acid substitution at a position that is conserved across species. In silico analysis predicts Cys1934Tyr is probably damaging to the protein structure/function. Furthermore, Cys1934Tyr was not observed in approximately 6,500 individuals of European and African American ancestry in the NHLBI Exome Sequencing Project, indicating it is not a common benign variant in these populations.In summary, Cys1934Tyr in the FBN1 gene is interpreted as a disease-causing mutation. The variant is found in TAAD panel(s).

Literature cited by the submitters: PubMed 18435798 (cited by Labcorp Genetics (formerly Invitae), Labcorp); PubMed 21542060 (cited by Labcorp Genetics (formerly Invitae), Labcorp); PubMed 25907466 (cited by Labcorp Genetics (formerly Invitae), Labcorp); PubMed 16905551 (cited by Labcorp Genetics (formerly Invitae), Labcorp); PubMed 19349279 (cited by Labcorp Genetics (formerly Invitae), Labcorp); PubMed 16571647 (cited by Labcorp Genetics (formerly Invitae), Labcorp); PubMed 17701892 (cited by Labcorp Genetics (formerly Invitae), Labcorp).

NM_000138.5(FBN1):c.5801G>A (p.Cys1934Tyr)

Gene: FBN1 (fibrillin 1; minus strand). Cytogenetic location: 15q21.1.
Variant type: single nucleotide variant.
Coding change: c.5801G>A on transcript NM_000138.5 (MANE Select); coding-DNA position 5801, G replaced by A.
Protein change: p.Cys1934Tyr; replaces cysteine 1934 with tyrosine.
Molecular consequence: missense variant.
Genome position (GRCh38, 1-based): chr15:48,445,492, C>T on the plus strand (G>A on the coding strand, the complement: FBN1 is on the minus strand). VCF-style: chr15-48445492-C-T. GRCh37 (hg19) VCF-style: chr15-48737689-C-T.
Other names: p.C1934Y:TGT>TAT; short protein forms C1934Y.
Identifiers: ClinVar variation 200069 (VCV000200069.12), dbSNP rs794728240, ClinGen allele CA016083.